The following is an entry in ClinVar:

ClinVar aggregate classification (germline): Uncertain significance. Review status: criteria provided, multiple submitters, no conflicts (2 of 4 stars). 2 submissions from 2 submitters: Uncertain significance (2). Last evaluated 2024-03-28.

Submissions (2):

Labcorp Genetics (formerly Invitae), Labcorp
Classification: Uncertain significance. Last evaluated: 2024-03-28. Review status: criteria provided, single submitter. Criteria: Invitae Variant Classification Sherloc (09022015). Collection method: clinical testing. Allele origin: germline.
Comment: This sequence change replaces arginine, which is basic and polar, with histidine, which is basic and polar, at codon 44 of the AP2M1 protein (p.Arg44His). This variant is not present in population databases (gnomAD no frequency). This variant has not been reported in the literature in individuals affected with AP2M1-related conditions. An algorithm developed to predict the effect of missense changes on protein structure and function (PolyPhen-2) suggests that this variant is likely to be tolerated. In summary, the available evidence is currently insufficient to determine the role of this variant in disease. Therefore, it has been classified as a Variant of Uncertain Significance.

Blueprint Genetics
Classification: Uncertain significance. Last evaluated: 2023-03-27. Review status: criteria provided, single submitter. Criteria: ACMG Guidelines, 2015. Collection method: clinical testing. Allele origin: germline.

NM_004068.4(AP2M1):c.131G>A (p.Arg44His)

Gene: AP2M1 (adaptor related protein complex 2 subunit mu 1; plus strand). Cytogenetic location: 3q27.1.
Variant type: single nucleotide variant.
Coding change: c.131G>A on transcript NM_004068.4 (MANE Select); coding-DNA position 131, G replaced by A.
Protein change: p.Arg44His; replaces arginine 44 with histidine.
Molecular consequence: missense variant.
Genome position (GRCh38, 1-based): chr3:184,178,913, G>A. VCF-style: chr3-184178913-G-A. GRCh37 (hg19) VCF-style: chr3-183896701-G-A.
Other names: c.131G>A, p.Arg44His (NM_001025205.2); c.206G>A, p.Arg69His (NM_001311198.2); short protein forms R44H, R69H.
Identifiers: ClinVar variation 3679951 (VCV003679951.3).
Genomic context (GRCh38, chr3:184,178,913, plus strand): 5'-TCAGGAGGAACGCAGTGGATGCCTTTCGGGTCAATGTTATCCATGCCCGGCAGCAGGTGC[G>A]CAGCCCCGTCACCAACATTGCTCGCACCAGCTTCTTCCACGTTAAGCGGTCCAACATTTG-3'
Protein context (NP_004059.2, residues 34-54): VNVIHARQQV[Arg44His]SPVTNIARTS